The following is an entry in ClinVar:

NM_000512.5(GALNS):c.29G>A (p.Trp10Ter)

Genes: TRAPPC2L (trafficking protein particle complex subunit 2L; plus strand), GALNS (galactosamine (N-acetyl)-6-sulfatase; minus strand), LOC130059762 (ATAC-STARR-seq lymphoblastoid silent region 7883; plus strand). Cytogenetic location: 16q24.3.
Variant type: single nucleotide variant.
Coding change: c.29G>A on transcript NM_000512.5 (MANE Select); coding-DNA position 29, G replaced by A.
Protein change: p.Trp10Ter; replaces tryptophan 10 with a stop codon.
Molecular consequence: nonsense. On other transcripts: 5 prime UTR variant (2).
Genome position (GRCh38, 1-based): chr16:88,856,849, C>T on the plus strand (G>A on the coding strand, the complement: GALNS is on the minus strand). VCF-style: chr16-88856849-C-T. GRCh37 (hg19) VCF-style: chr16-88923257-C-T.
Other names: c.-403G>A (NM_001323543.2); c.-124G>A (NM_001323544.2); short protein forms W10*.
Identifiers: ClinVar variation 1048248 (VCV001048248.7), dbSNP rs1967945316, ClinGen allele CA397102121.

ClinVar aggregate classification (germline): Pathogenic. Review status: criteria provided, multiple submitters, no conflicts (2 of 4 stars). 3 submissions from 3 submitters: Pathogenic (2). 1 of the submissions does not count toward it. Last evaluated 2021-02-01.

Conditions:
Mucopolysaccharidosis, MPS-IV-A (MPS4A). Also called: Mucopolysaccharidosis type IV A; Mucopolysaccharidosis Type IVA; Morquio syndrome A, mild; MORQUIO SYNDROME A; MPS IVA; mucopolysaccharidosis type 4A. Identifiers: Orphanet 309297, Orphanet 582, MedGen C0086651, MONDO:0009659, OMIM 253000.

gnomAD v4.1: 1 of 1,514,022 alleles (0.000066%); highest among the groups gnomAD compares: Non-Finnish European, 0.000088%; no homozygotes.

Submissions (3):

Laboratory of Diagnosis and Therapy of Lysosomal Disorders, University of Padova
Classification: Pathogenic for Mucopolysaccharidosis, MPS-IV-A. Last evaluated: 2021-02-01. Review status: criteria provided, single submitter. Criteria: ACMG Guidelines, 2015. Collection method: research. Allele origin: germline. Affected: yes.
Comment: Nonsense variant (PVS1_very strong); in vitro and vivo functional studies supportive of a damaging effect on the gene product (low to null enzymatic activity in homozygotes; RNA studies evidenced exon skipping; no mutant protein detected by Western Blot analysis; PS3_strong); the prevalence of the variant in affected individuals is significantly increased compared with the prevalence in controls (PS4_strong); absent from gnomAD v2.1.1 (PM2_moderate)

Lifecell International Pvt. Ltd
Classification: Pathogenic for Mucopolysaccharidosis, MPS-IV-A. Review status: criteria provided, single submitter. Criteria: ACMG Guidelines, 2015. Collection method: clinical testing. Allele origin: germline. Inheritance: Autosomal recessive inheritance. Affected: yes. Observed: 1 compound heterozygote.
Comment: A Heterozygous Nonsense variant c.29G>A in Exon 1 of the GALNS gene that results in the amino acid substitution p.Trp10* was identified. The observed variant is novel in gnomAD exomes and genomes. The severity of the impact of this variant on the protein is high, based on the effect of the protein and REVEL score. Rare Exome Variant Ensemble Learner (REVEL) is an ensembl method for predicting the pathogenicity of missense variants based on a combination of scores from 13 individual tools: MutPred, FATHMM v2.3, VEST 3.0, PolyPhen-2, SIFT, PROVEAN, MutationAssessor, MutationTaster, LRT, GERP++, SiPhy, phyloP, and phastCons. The REVEL score for an individual missense variant can range from 0 to 1, with higher scores reflecting greater likelihood that the variant is disease-causing. ClinVar has also classified this variant as Pathogenic [Variation ID: 1048248]. The observed variant has been previously reported in patients affected with mucopolysaccharidosis IVA (Zanetti, Alessandra et al., 2021). For these reasons, this variant has been classified as Pathogenic.

GeneReviews
No classification provided. Condition: Mucopolysaccharidosis, MPS-IV-A. Review status: no classification provided. Collection method: literature only. Allele origin: germline. Not counted in ClinVar's aggregate classification.

Literature cited by the submitters: PubMed 15241807 (cited by Laboratory of Diagnosis and Therapy of Lysosomal Disorders, University of Padova); PubMed 23876334 (cited by Laboratory of Diagnosis and Therapy of Lysosomal Disorders, University of Padova); PubMed 25545067 (cited by Laboratory of Diagnosis and Therapy of Lysosomal Disorders, University of Padova); PubMed 30809705 (cited by Laboratory of Diagnosis and Therapy of Lysosomal Disorders, University of Padova and GeneReviews); PubMed 9298823 (cited by Laboratory of Diagnosis and Therapy of Lysosomal Disorders, University of Padova); PubMed 34387910 (cited by Laboratory of Diagnosis and Therapy of Lysosomal Disorders, University of Padova and Lifecell International Pvt. Ltd); PubMed 23844448 (cited by GeneReviews).